The following is an entry in ClinVar:

NM_001376571.1(MADD):c.2090C>T (p.Pro697Leu)

Gene: MADD (MAP kinase activating death domain; plus strand). Cytogenetic location: 11p11.2.
Variant type: single nucleotide variant.
Coding change: c.2090C>T on transcript NM_001376571.1 (MANE Select); coding-DNA position 2090, C replaced by T.
Protein change: p.Pro697Leu; replaces proline 697 with leucine.
Molecular consequence: missense variant. On other transcripts: non-coding transcript variant (8).
Genome position (GRCh38, 1-based): chr11:47,284,498, C>T. VCF-style: chr11-47284498-C-T. GRCh37 (hg19) VCF-style: chr11-47306049-C-T.
Other names: c.2090C>T, p.Pro697Leu (NM_001376581.1, NM_001376582.1, NM_001376583.1 and 79 more transcripts); c.1886C>T, p.Pro629Leu (NM_001376626.1, NM_001376627.1, NM_001376644.1 and 9 more transcripts); c.1424C>T, p.Pro475Leu (NM_001376663.1); c.2066C>T, p.Pro689Leu (NM_001376602.1); short protein forms P475L, P629L, P689L, P697L.
Identifiers: ClinVar variation 1805852 (VCV001805852.2), dbSNP rs151338032, ClinGen allele CA5974330.

ClinVar aggregate classification (germline): Uncertain significance. Review status: criteria provided, multiple submitters, no conflicts (2 of 4 stars). 2 submissions from 2 submitters: Uncertain significance (2). Last evaluated 2025-11-06.

Conditions:
Neurodevelopmental disorder with dysmorphic facies, impaired speech, and hypotonia. Identifiers: MedGen C5436585, MONDO:0033562, OMIM 619005.
Inborn genetic diseases. Identifiers: MedGen C0950123, MeSH D030342.

Allele frequency attached by ClinVar (database versions not stated): ESP Exome Variant Server 0.00015; gnomAD 0.00002; ExAC 0.00007; TOPMed 0.00002; 1000 Genomes Project 0.00040; 1000 Genomes Project 30x 0.00047.
gnomAD v4.1: 41 of 1,614,108 alleles (0.0025%); highest among the groups gnomAD compares: Middle Eastern, 0.05%; no homozygotes.

Submissions (2):

Ambry Genetics
Classification: Uncertain significance for Inborn genetic diseases. Last evaluated: 2025-11-06. Review status: criteria provided, single submitter. Criteria: Ambry Variant Classification Scheme 2023. Collection method: clinical testing. Allele origin: germline.

Victorian Clinical Genetics Services, Murdoch Childrens Research Institute
Classification: Uncertain significance for Neurodevelopmental disorder with dysmorphic facies, impaired speech, and hypotonia. Last evaluated: 2020-10-19. Review status: criteria provided, single submitter. Criteria: ACMG Guidelines, 2015. Collection method: clinical testing. Allele origin: germline. Inheritance: Autosomal recessive inheritance. Affected: yes.
Comment: Based on the classification scheme VCGS_Germline_v1.1.1, this variant is classified as VUS - 3B. Following criteria are met: 0105 - The mechanism of disease for this gene is not clearly established, however loss of function is likely. (N) 0106 - This gene is known to be associated with autosomal recessive disease (PMID: 28940097). (N) 0200 - Variant is predicted to result in a missense amino acid change from proline to leucine (exon 12). (N) 0252 - Variant is homozygous. (N) 0304 - Variant is present in gnomAD v2 <0.01 for a recessive condition (13 heterozygotes, 0 homozygotes). (P) 0309 - An alternative amino acid change at the same position has been observed in gnomAD v3 (2 heterozygotes, 0 homozygotes). (N) 0502 - Missense variant with conflicting in silico predictions and/or uninformative conservation. (N) 0604 - Variant is not located in an established domain, motif, hotspot or informative constraint region. (N) 0705 - No comparable variants have previous evidence for pathogenicity. (N) 0807 - Variant has not previously been reported in a clinical context. (N) 0905 - No segregation evidence has been identified for this variant. (N) 1007 - No published functional evidence has been identified for this variant. (N) 1208 - Inheritance information for this variant is not currently available. (N) Legend: (P) - Pathogenic, (N) - Neutral, (B) - Benign

Literature cited by the submitters: PubMed 28940097 (cited by Victorian Clinical Genetics Services, Murdoch Childrens Research Institute).